The following is an entry in ClinVar:

NM_005222.4(DLX6):c.75GCA[5] (p.Gln42_Gln44del)

Genes: DLX6 (distal-less homeobox 6; plus strand), DLX6-AS1 (DLX6 antisense RNA 1; minus strand). Cytogenetic location: 7q21.3.
Variant type: Microsatellite.
Coding change: c.75GCA[5] on transcript NM_005222.4 (MANE Select); five copies in a row of the 3-base unit GCA starting at c.75; the reference has eight copies in a row; three copies, 9 bases deleted.
Protein change: p.Gln42_Gln44del.
Molecular consequence: inframe deletion.
Genome position (GRCh38, 1-based): chr7:97,006,067-97,006,075, GCAGCAGCA deleted; deleting any 9 consecutive bases within chr7:97,006,052-97,006,075 gives the same sequence; the position shown is the placement nearest the transcript's 3' end. VCF-style (leftmost placement, unchanged base first): chr7-97006051-GGCAGCAGCA-G. GRCh37 (hg19) VCF-style: chr7-96635363-GGCAGCAGCA-G.
Identifiers: ClinVar variation 1373278 (VCV001373278.6), dbSNP rs530625473, ClinGen allele CA4353683.

ClinVar aggregate classification (germline): Uncertain significance (1 of 4 stars; one submission).

Submission:

Labcorp Genetics (formerly Invitae), Labcorp
Classification: Uncertain significance. Last evaluated: 2023-03-02. Review status: criteria provided, single submitter. Criteria: Invitae Variant Classification Sherloc (09022015). Collection method: clinical testing. Allele origin: germline.
Comment: In summary, the available evidence is currently insufficient to determine the role of this variant in disease. Therefore, it has been classified as a Variant of Uncertain Significance. Experimental studies and prediction algorithms are not available or were not evaluated, and the functional significance of this variant is currently unknown. This variant has not been reported in the literature in individuals affected with DLX6-related conditions. This variant is not present in population databases (gnomAD no frequency). This variant, c.90_98del, results in the deletion of 3 amino acid(s) of the DLX6 protein (p.Gln42_Gln44del), but otherwise preserves the integrity of the reading frame.